The following is an entry in ClinVar:

ClinVar aggregate classification (germline): Benign. Review status: criteria provided, single submitter (1 of 4 stars). 2 submissions from 1 submitter: Benign (2). Last evaluated 2018-01-12.

Conditions:
Emery-Dreifuss muscular dystrophy 4, autosomal dominant (EDMD4). Also called: EMERY-DREIFUSS MUSCULAR DYSTROPHY 4 WITH VARIABLE FEATURES. Identifiers: Orphanet 261, MedGen C2751807, MONDO:0013071, OMIM 612998.
Autosomal recessive ataxia, Beauce type. Also called: Spinocerebellar ataxia, autosomal recessive 8; SYNE1 Deficiency; ATAXIA, RECESSIVE, OF BEAUCE; SYNE1-Related Autosomal Recessive Cerebellar Ataxia. Identifiers: Orphanet 88644, MedGen C1853116, MONDO:0012549, OMIM 610743.

Allele frequency attached by ClinVar (database versions not stated): gnomAD 0.02416 and 0.02216; gnomAD exomes 0.03019; TOPMed 0.01952; 1000 Genomes Project 30x 0.03779; 1000 Genomes Project 0.04213.
gnomAD v4.1: 3,701 of 154,136 alleles (2.4%); highest among the groups gnomAD compares: East Asian, 6.1%; 78 homozygotes.

Submissions (2):

Illumina Laboratory Services, Illumina
Classification: Benign for Autosomal recessive ataxia, Beauce type. Last evaluated: 2018-01-12. Review status: criteria provided, single submitter. Criteria: ICSL Variant Classification Criteria 13 December 2019. Collection method: clinical testing. Allele origin: germline.
Comment: This variant was observed in the ICSL laboratory as part of a predisposition screen in an ostensibly healthy population. It had not been previously curated by ICSL or reported in the Human Gene Mutation Database (HGMD: prior to June 1st, 2018), and was therefore a candidate for classification through an automated scoring system. Utilizing variant allele frequency, disease prevalence and penetrance estimates, and inheritance mode, an automated score was calculated to assess if this variant is too frequent to cause the disease. Based on the score and internal cut-off values, a variant classified as benign is not then subjected to further curation. The score for this variant resulted in a classification of benign for this disease.

Illumina Laboratory Services, Illumina
Classification: Benign for Emery-Dreifuss muscular dystrophy 4, autosomal dominant. Last evaluated: 2018-01-12. Review status: criteria provided, single submitter. Criteria: ICSL Variant Classification Criteria 13 December 2019. Collection method: clinical testing. Allele origin: germline.
Comment: the same text as in the submission from Illumina Laboratory Services, Illumina above.

NM_182961.4(SYNE1):c.*583A>G

Genes: ESR1 (estrogen receptor 1; plus strand), SYNE1 (spectrin repeat containing nuclear envelope protein 1; minus strand). Cytogenetic location: 6q25.2.
Variant type: single nucleotide variant.
Coding change: c.*583A>G on transcript NM_182961.4 (MANE Select); 583 bases downstream of the stop codon, A replaced by G.
Molecular consequence: 3 prime UTR variant. On other transcripts: intron variant (1).
Genome position (GRCh38, 1-based): chr6:152,121,853, T>C on the plus strand (A>G on the coding strand, the complement: SYNE1 is on the minus strand). VCF-style: chr6-152121853-T-C. GRCh37 (hg19) VCF-style: chr6-152442988-T-C.
Other names: c.*788A>G (NM_001347701.2); c.*583A>G (NM_001347702.2, NM_033071.5); c.851-3413T>C (NM_001328100.2).
Identifiers: ClinVar variation 355796 (VCV000355796.7), dbSNP rs3756933, ClinGen allele CA10626120.